The following is an entry in ClinVar:

ClinVar aggregate classification (germline): Uncertain significance (1 of 4 stars; one submission).

gnomAD v4.1: 1 of 1,610,886 alleles (0.000062%); highest among the groups gnomAD compares: Non-Finnish European, 0.000085%; no homozygotes.

Submission:

Labcorp Genetics (formerly Invitae), Labcorp
Classification: Uncertain significance. Last evaluated: 2024-08-07. Review status: criteria provided, single submitter. Criteria: Invitae Variant Classification Sherloc (09022015). Collection method: clinical testing. Allele origin: germline.
Comment: This sequence change replaces histidine, which is basic and polar, with proline, which is neutral and non-polar, at codon 286 of the CUL3 protein (p.His286Pro). This variant is not present in population databases (gnomAD no frequency). This variant has not been reported in the literature in individuals affected with CUL3-related conditions. Advanced modeling of protein sequence and biophysical properties (such as structural, functional, and spatial information, amino acid conservation, physicochemical variation, residue mobility, and thermodynamic stability) performed at Invitae indicates that this missense variant is not expected to disrupt CUL3 protein function with a negative predictive value of 80%. In summary, the available evidence is currently insufficient to determine the role of this variant in disease. Therefore, it has been classified as a Variant of Uncertain Significance.

NM_003590.5(CUL3):c.857A>C (p.His286Pro)

Gene: CUL3 (cullin 3; minus strand). Cytogenetic location: 2q36.2.
Variant type: single nucleotide variant.
Coding change: c.857A>C on transcript NM_003590.5 (MANE Select); coding-DNA position 857, A replaced by C.
Protein change: p.His286Pro; replaces histidine 286 with proline.
Molecular consequence: missense variant.
Genome position (GRCh38, 1-based): chr2:224,511,380, T>G on the plus strand (A>C on the coding strand, the complement: CUL3 is on the minus strand). VCF-style: chr2-224511380-T-G. GRCh37 (hg19) VCF-style: chr2-225376097-T-G.
Other names: c.659A>C, p.His220Pro (NM_001257197.2); c.875A>C, p.His292Pro (NM_001257198.2); short protein forms H220P, H286P, H292P.
Identifiers: ClinVar variation 3684624 (VCV003684624.2).